The following is an entry in ClinVar:

NM_017999.5(RNF31):c.892G>A (p.Ala298Thr)

Gene: RNF31 (ring finger protein 31; plus strand). Cytogenetic location: 14q12.
Variant type: single nucleotide variant.
Coding change: c.892G>A on transcript NM_017999.5 (MANE Select); coding-DNA position 892, G replaced by A.
Protein change: p.Ala298Thr; replaces alanine 298 with threonine.
Molecular consequence: missense variant.
Genome position (GRCh38, 1-based): chr14:24,150,143, G>A. VCF-style: chr14-24150143-G-A. GRCh37 (hg19) VCF-style: chr14-24619352-G-A.
Other names: c.439G>A, p.Ala147Thr (NM_001310332.2); short protein forms A298T, A147T.
Identifiers: ClinVar variation 2816052 (VCV002816052.3), dbSNP rs2501998147, ClinGen allele CA389291378.
Genomic context (GRCh38, chr14:24,150,143, plus strand): 5'-CGGCCCCAGTCGACCTCCCTGCTGGCCCTGGGAGACAGCTCTCTTTCTTCCCCTAATCCT[G>A]CAAGTGCTCATTTGCCCTGGCACTGTGCTGCCTGTGCCATGCTAAATGAGCCTTGGGCAG-3'
Protein context (NP_060469.4, residues 288-308): GDSSLSSPNP[Ala298Thr]SAHLPWHCAA

ClinVar aggregate classification (germline): Uncertain significance (1 of 4 stars; one submission).

Allele frequency attached by ClinVar (database versions not stated): gnomAD exomes below 0.00001.
gnomAD v4.1: 3 of 1,612,934 alleles (0.00019%); highest among the groups gnomAD compares: South Asian, 0.0033%; no homozygotes.

Submission:

Labcorp Genetics (formerly Invitae), Labcorp
Classification: Uncertain significance. Last evaluated: 2025-01-06. Review status: criteria provided, single submitter. Criteria: Invitae Variant Classification Sherloc (09022015). Collection method: clinical testing. Allele origin: germline.
Comment: This sequence change replaces alanine, which is neutral and non-polar, with threonine, which is neutral and polar, at codon 298 of the RNF31 protein (p.Ala298Thr). This variant is not present in population databases (gnomAD no frequency). This variant has not been reported in the literature in individuals affected with RNF31-related conditions. ClinVar contains an entry for this variant (Variation ID: 2816052). An algorithm developed to predict the effect of missense changes on protein structure and function outputs the following: PolyPhen-2: "Benign". The threonine amino acid residue is found in multiple mammalian species, which suggests that this missense change does not adversely affect protein function. In summary, the available evidence is currently insufficient to determine the role of this variant in disease. Therefore, it has been classified as a Variant of Uncertain Significance.